The following is an entry in ClinVar:

NM_000038.6(APC):c.1743+1735T>G

Gene: APC (APC regulator of WNT signaling pathway; plus strand). Cytogenetic location: 5q22.2.
Variant type: single nucleotide variant.
Coding change: c.1743+1735T>G on transcript NM_000038.6 (MANE Select); 1735 bases into the intron after coding-DNA position 1743, T replaced by G.
Molecular consequence: intron variant.
Genome position (GRCh38, 1-based): chr5:112,830,707, T>G. VCF-style: chr5-112830707-T-G. GRCh37 (hg19) VCF-style: chr5-112166404-T-G.
Other names: c.1743+1735T>G (NM_001354895.2, NM_001127510.3); c.1773+1735T>G (NM_001354897.2); c.1470+1735T>G (NM_001354902.2); c.1689+1735T>G (NM_001127511.3); c.1668+1735T>G (NM_001354898.2); c.1365+1735T>G (NM_001354904.2); c.894+1735T>G (NM_001354906.2); c.1797+1735T>G (NM_001354896.2); and 5 more.
Identifiers: ClinVar variation 82594 (VCV000082594.2), dbSNP rs77072083, ClinGen allele CA005544.

ClinVar aggregate classification (germline): other (0 of 4 stars; one submission).

Conditions:
Familial colorectal cancer. Identifiers: MedGen CN280943, MONDO:0023113. Disease mechanism: loss of function.

Submission:

Systems Biology Platform Zhejiang California International NanoSystems Institute
Classification: other for Familial colorectal cancer. Review status: no assertion criteria provided. Collection method: not provided. Allele origin: unknown.
ClinVar note: Converted during submission from cancer to other.